The following is an entry in ClinVar:

ClinVar aggregate classification (germline): Uncertain significance. Review status: criteria provided, multiple submitters, no conflicts (2 of 4 stars). 2 submissions from 2 submitters: Uncertain significance (2). Last evaluated 2025-04-25.

Allele frequency attached by ClinVar (database versions not stated): ExAC 0.00007; ESP Exome Variant Server 0.00008; gnomAD exomes 0.00009; gnomAD 0.00013 and 0.00016; TOPMed 0.00014.
gnomAD v4.1: 213 of 1,610,958 alleles (0.013%); highest among the groups gnomAD compares: Non-Finnish European, 0.016%; no homozygotes.

Submissions (2):

Labcorp Genetics (formerly Invitae), Labcorp
Classification: Uncertain significance. Last evaluated: 2025-04-25. Review status: criteria provided, single submitter. Criteria: Invitae Variant Classification Sherloc (09022015). Collection method: clinical testing. Allele origin: germline.
Comment: This sequence change replaces glycine, which is neutral and non-polar, with valine, which is neutral and non-polar, at codon 687 of the TTBK2 protein (p.Gly687Val). This variant is present in population databases (rs372443449, gnomAD 0.02%). This variant has not been reported in the literature in individuals affected with TTBK2-related conditions. ClinVar contains an entry for this variant (Variation ID: 807227). Invitae Evidence Modeling of protein sequence and biophysical properties (such as structural, functional, and spatial information, amino acid conservation, physicochemical variation, residue mobility, and thermodynamic stability) indicates that this missense variant is not expected to disrupt TTBK2 protein function with a negative predictive value of 80%. In summary, the available evidence is currently insufficient to determine the role of this variant in disease. Therefore, it has been classified as a Variant of Uncertain Significance.

CeGaT Center for Human Genetics Tuebingen
Classification: Uncertain significance. Last evaluated: 2019-06-01. Review status: criteria provided, single submitter. Criteria: CeGaT Center For Human Genetics Tuebingen Variant Classification Criteria Version 2. Collection method: clinical testing. Allele origin: germline. Affected: yes. Observed: 2 variant alleles.

NM_173500.4(TTBK2):c.2060G>T (p.Gly687Val)

Gene: TTBK2 (tau tubulin kinase 2; minus strand). Cytogenetic location: 15q15.2.
Variant type: single nucleotide variant.
Coding change: c.2060G>T on transcript NM_173500.4 (MANE Select); coding-DNA position 2060, G replaced by T.
Protein change: p.Gly687Val; replaces glycine 687 with valine.
Molecular consequence: missense variant.
Genome position (GRCh38, 1-based): chr15:42,753,186, C>A on the plus strand (G>T on the coding strand, the complement: TTBK2 is on the minus strand). VCF-style: chr15-42753186-C-A. GRCh37 (hg19) VCF-style: chr15-43045384-C-A.
Other names: short protein forms G687V.
Identifiers: ClinVar variation 807227 (VCV000807227.43), dbSNP rs372443449, ClinGen allele CA7516785.